The following is an entry in ClinVar:

ClinVar aggregate classification (germline): Uncertain significance (1 of 4 stars; one submission).

Conditions:
Duchenne muscular dystrophy (DMD). Also called: MUSCULAR DYSTROPHY, PSEUDOHYPERTROPHIC PROGRESSIVE, DUCHENNE TYPE; Duchenne Muscular Dystrophy (DMD). Identifiers: Orphanet 98896, MedGen C0013264, MONDO:0010679, OMIM 310200.

gnomAD v4.1: 1 of 1,208,462 alleles (0.000083%); highest among the groups gnomAD compares: Non-Finnish European, 0.00011%; no homozygotes.

Submission:

Labcorp Genetics (formerly Invitae), Labcorp
Classification: Uncertain significance for Duchenne muscular dystrophy. Last evaluated: 2025-06-22. Review status: criteria provided, single submitter. Criteria: Invitae Variant Classification Sherloc (09022015). Collection method: clinical testing. Allele origin: germline.
Comment: This sequence change replaces glutamic acid, which is acidic and polar, with lysine, which is basic and polar, at codon 1276 of the DMD protein (p.Glu1276Lys). This variant is present in population databases (no rsID available, gnomAD 0.001%). This variant has not been reported in the literature in individuals affected with DMD-related conditions. Invitae Evidence Modeling of protein sequence and biophysical properties (such as structural, functional, and spatial information, amino acid conservation, physicochemical variation, residue mobility, and thermodynamic stability) indicates that this missense variant is not expected to disrupt DMD protein function with a negative predictive value of 95%. In summary, the available evidence is currently insufficient to determine the role of this variant in disease. Therefore, it has been classified as a Variant of Uncertain Significance.

NM_004006.3(DMD):c.3826G>A (p.Glu1276Lys)

Gene: DMD (dystrophin; minus strand). Cytogenetic location: Xp21.1.
Variant type: single nucleotide variant.
Coding change: c.3826G>A on transcript NM_004006.3 (MANE Select); coding-DNA position 3826, G replaced by A.
Protein change: p.Glu1276Lys; replaces glutamic acid 1276 with lysine.
Molecular consequence: missense variant.
Genome position (GRCh38, 1-based): chrX:32,441,275, C>T on the plus strand (G>A on the coding strand, the complement: DMD is on the minus strand). VCF-style: chrX-32441275-C-T. GRCh37 (hg19) VCF-style: chrX-32459392-C-T.
Other names: c.3802G>A, p.Glu1268Lys (NM_000109.4); c.3814G>A, p.Glu1272Lys (NM_004009.3); c.3457G>A, p.Glu1153Lys (NM_004010.3); short protein forms E1272K, E1276K, E1153K, E1268K.
Identifiers: ClinVar variation 4693278 (VCV004693278.1).
Genomic context (GRCh38, chrX:32,441,275, plus strand): 5'-GAATGTTTTCAGTGGTTTTAAGTTTAAATTCTACTTCATTTAGCCACTTGTTTGCTTTCT[C>T]CAAGTATGACAATAACTCATGCCAACATGCCCAAACTTCCTAAGAAAGAAATATATATCA-3'
Protein context (NP_003997.2, residues 1266-1286): ACWHELLSYL[Glu1276Lys]KANKWLNEVE